The following is an entry in ClinVar:

ClinVar aggregate classification (germline): Uncertain significance (0 of 4 stars; one submission).

Conditions:
TBX22-related disorder. Also called: TBX22-related condition.

Submission:

PreventionGenetics, part of Exact Sciences
Classification: Uncertain significance for TBX22-related condition. Last evaluated: 2024-05-31. Review status: no assertion criteria provided. Collection method: clinical testing. Allele origin: germline.
Comment: The TBX22 c.1332A>T variant is predicted to result in the amino acid substitution p.Leu444Phe. To our knowledge, this variant has not been reported in the literature or in a large population database, indicating this variant is rare. At this time, the clinical significance of this variant is uncertain due to the absence of conclusive functional and genetic evidence.

NM_001109878.2(TBX22):c.1332A>T (p.Leu444Phe)

Gene: TBX22 (T-box transcription factor 22). Cytogenetic location: Xq21.1.
Variant type: single nucleotide variant.
Coding change: c.1332A>T on transcript NM_001109878.2 (MANE Select); coding-DNA position 1332, A replaced by T.
Protein change: p.Leu444Phe; replaces leucine 444 with phenylalanine.
Molecular consequence: missense variant.
Genome position (GRCh38, 1-based): chrX:80,030,880, A>T. VCF-style: chrX-80030880-A-T. GRCh37 (hg19) VCF-style: chrX-79286379-A-T.
Other names: c.972A>T, p.Leu324Phe (NM_001109879.2, NM_001303475.1); c.1332A>T, p.Leu444Phe (NM_016954.2); short protein forms L324F, L444F.
Identifiers: ClinVar variation 3344898 (VCV003344898.1).